The following is an entry in ClinVar:

NM_020191.4(MRPS22):c.40_41insA (p.Leu14fs)

Gene: MRPS22 (mitochondrial ribosomal protein S22; plus strand). Cytogenetic location: 3q23.
Variant type: Insertion.
Coding change: c.40_41insA on transcript NM_020191.4 (MANE Select); coding-DNA positions 40 to 41, A inserted.
Protein change: p.Leu14fs; shifts the reading frame from leucine 14.
Molecular consequence: frameshift variant.
Genome position: GRCh38 VCF-style: chr3-139344066-T-TA. GRCh37 (hg19) VCF-style: chr3-139062908-T-TA.
Other names: c.40_41insA, p.Leu14fs (NM_001363893.1); short protein forms L14fs.
Identifiers: ClinVar variation 2186381 (VCV002186381.4), dbSNP rs766913051, ClinGen allele CA2640599.

ClinVar aggregate classification (germline): Pathogenic (1 of 4 stars; one submission).

Allele frequency attached by ClinVar (database versions not stated): ExAC 0.00001; gnomAD exomes 0.00001; TOPMed 0.00001.

Submission:

Labcorp Genetics (formerly Invitae), Labcorp
Classification: Pathogenic. Last evaluated: 2022-05-12. Review status: criteria provided, single submitter. Criteria: Invitae Variant Classification Sherloc (09022015). Collection method: clinical testing. Allele origin: germline.
Comment: For these reasons, this variant has been classified as Pathogenic. This variant has not been reported in the literature in individuals affected with MRPS22-related conditions. This variant is present in population databases (rs766913051, gnomAD 0.006%). This sequence change creates a premature translational stop signal (p.Leu14Tyrfs*49) in the MRPS22 gene. It is expected to result in an absent or disrupted protein product. Loss-of-function variants in MRPS22 are known to be pathogenic (PMID: 28425981, 29096039).

Literature cited by the submitters: PubMed 28425981; PubMed 29096039.